The following is an entry in ClinVar:

NM_003119.4(SPG7):c.158C>G (p.Ala53Gly)

Genes: SPG7 (SPG7 matrix AAA peptidase subunit, paraplegin; plus strand), LOC130059818 (ATAC-STARR-seq lymphoblastoid silent region 7911; plus strand). Cytogenetic location: 16q24.3.
Variant type: single nucleotide variant.
Coding change: c.158C>G on transcript NM_003119.4 (MANE Select); coding-DNA position 158, C replaced by G.
Protein change: p.Ala53Gly; replaces alanine 53 with glycine.
Molecular consequence: missense variant.
Genome position (GRCh38, 1-based): chr16:89,508,575, C>G. VCF-style: chr16-89508575-C-G. GRCh37 (hg19) VCF-style: chr16-89574983-C-G.
Other names: c.158C>G, p.Ala53Gly (NM_001363850.1, NM_199367.3); short protein forms A53G.
Identifiers: ClinVar variation 3693419 (VCV003693419.2).

ClinVar aggregate classification (germline): Uncertain significance (1 of 4 stars; one submission).

Conditions:
Hereditary spastic paraplegia 7 (SPG7). Also called: SPASTIC PARAPLEGIA 7, AUTOSOMAL RECESSIVE, WITH OR WITHOUT CEREBELLAR ATAXIA; SPG7-related neurologic disorder; Spastic paraplegia 7; Hereditary spastic paraplegia Paraplegin type; Autosomal recessive spastic paraplegia type 7. Identifiers: Orphanet 99013, MedGen C1846564, MONDO:0011803, OMIM 607259.

gnomAD v4.1: 8 of 1,488,054 alleles (0.00054%); highest among the groups gnomAD compares: South Asian, 0.0077%; 1 homozygote.

Submission:

Labcorp Genetics (formerly Invitae), Labcorp
Classification: Uncertain significance for Hereditary spastic paraplegia 7. Last evaluated: 2024-05-16. Review status: criteria provided, single submitter. Criteria: Invitae Variant Classification Sherloc (09022015). Collection method: clinical testing. Allele origin: germline.
Comment: This sequence change replaces alanine, which is neutral and non-polar, with glycine, which is neutral and non-polar, at codon 53 of the SPG7 protein (p.Ala53Gly). This variant is not present in population databases (gnomAD no frequency). This variant has not been reported in the literature in individuals affected with SPG7-related conditions. Advanced modeling of protein sequence and biophysical properties (such as structural, functional, and spatial information, amino acid conservation, physicochemical variation, residue mobility, and thermodynamic stability) performed at Invitae indicates that this missense variant is not expected to disrupt SPG7 protein function with a negative predictive value of 95%. In summary, the available evidence is currently insufficient to determine the role of this variant in disease. Therefore, it has been classified as a Variant of Uncertain Significance.